The following is an entry in ClinVar:

NM_007294.4(BRCA1):c.5407-6A>T

Gene: BRCA1 (BRCA1 DNA repair associated; minus strand). Cytogenetic location: 17q21.31.
Variant type: single nucleotide variant.
Coding change: c.5407-6A>T on transcript NM_007294.4 (MANE Select); 6 bases into the intron before coding-DNA position 5407, A replaced by T.
Molecular consequence: intron variant.
Genome position (GRCh38, 1-based): chr17:43,047,709, T>A on the plus strand (A>T on the coding strand, the complement: BRCA1 is on the minus strand). VCF-style: chr17-43047709-T-A. GRCh37 (hg19) VCF-style: chr17-41199726-T-A.
Other names: c.5204-6A>T (NM_001407941.1); c.5281-6A>T (NM_001407673.1, NM_001407674.1, NM_001407677.1 and 8 more transcripts); c.2092-6A>T (NM_001408400.1, NM_001408392.1, NM_001408397.1 and 7 more transcripts); c.2095-6A>T (NM_001407986.1, NM_001407979.1, NM_001407982.1 and 10 more transcripts); c.2161-6A>T (NM_001407972.1); c.5401-6A>T (NM_001407630.1, NM_001407633.1, NM_001407642.1 and 13 more transcripts); c.5404-6A>T (NM_001407615.1, NM_001407625.1, NM_001407619.1 and 14 more transcripts); c.5467-6A>T (NM_001407591.1, NM_001407590.1); and 83 more.
Identifiers: ClinVar variation 865458 (VCV000865458.3), dbSNP rs2050996914, ClinGen allele CA916080782.

Conditions:
Breast-ovarian cancer, familial, susceptibility to, 1 (BROVCA1). Also called: BRCA1 Hereditary Breast and Ovarian Cancer; OVARIAN CANCER, SUSCEPTIBILITY TO. Identifiers: Orphanet 145, MedGen C2676676, MONDO:0011450, OMIM 604370. Disease mechanism: loss of function.

Submission:

Brotman Baty Institute, University of Washington
No classification provided (evidence only). Condition: Breast-ovarian cancer, familial 1. Review status: no classification provided. Collection method: in vitro. Allele origin: not applicable. Functional consequence: functionally_normal.
ClinVar note: "not provided" was previously submitted as the classification for the variant. However, the classification appeared to be based only on an observation of functional data so it was converted to no classification on 2025-07-30.